The following is an entry in ClinVar:

NM_206933.4(USH2A):c.4303A>C (p.Lys1435Gln)

Gene: USH2A (usherin; minus strand). Cytogenetic location: 1q41.
Variant type: single nucleotide variant.
Coding change: c.4303A>C on transcript NM_206933.4 (MANE Select); coding-DNA position 4303, A replaced by C.
Protein change: p.Lys1435Gln; replaces lysine 1435 with glutamine.
Molecular consequence: missense variant.
Genome position (GRCh38, 1-based): chr1:216,190,316, T>G on the plus strand (A>C on the coding strand, the complement: USH2A is on the minus strand). VCF-style: chr1-216190316-T-G. GRCh37 (hg19) VCF-style: chr1-216363658-T-G.
Other names: c.4303A>C, p.Lys1435Gln (NM_007123.6); short protein forms K1435Q.
Identifiers: ClinVar variation 1494219 (VCV001494219.5), dbSNP rs2102655149, ClinGen allele CA344865413.

ClinVar aggregate classification (germline): Uncertain significance (1 of 4 stars; one submission).

Allele frequency attached by ClinVar (database versions not stated): gnomAD exomes below 0.00001.
gnomAD v4.1: 2 of 1,612,416 alleles (0.00012%); highest among the groups gnomAD compares: Non-Finnish European, 0.00017%; no homozygotes.

Submission:

Labcorp Genetics (formerly Invitae), Labcorp
Classification: Uncertain significance. Last evaluated: 2021-08-28. Review status: criteria provided, single submitter. Criteria: Invitae Variant Classification Sherloc (09022015). Collection method: clinical testing. Allele origin: germline.
Comment: This sequence change replaces lysine with glutamine at codon 1435 of the USH2A protein (p.Lys1435Gln). The lysine residue is moderately conserved and there is a small physicochemical difference between lysine and glutamine. This variant is not present in population databases (ExAC no frequency). This variant has not been reported in the literature in individuals affected with USH2A-related conditions. Algorithms developed to predict the effect of missense changes on protein structure and function output the following: SIFT: "Deleterious"; PolyPhen-2: "Possibly Damaging"; Align-GVGD: "Class C0". The glutamine amino acid residue is found in multiple mammalian species, which suggests that this missense change does not adversely affect protein function. In summary, the available evidence is currently insufficient to determine the role of this variant in disease. Therefore, it has been classified as a Variant of Uncertain Significance.